The following is an entry in ClinVar:

NM_001204.7(BMPR2):c.899G>A (p.Ser300Asn)

Gene: BMPR2 (bone morphogenetic protein receptor type 2; plus strand). Cytogenetic location: 2q33.2.
Variant type: single nucleotide variant.
Coding change: c.899G>A on transcript NM_001204.7 (MANE Select); coding-DNA position 899, G replaced by A.
Protein change: p.Ser300Asn; replaces serine 300 with asparagine.
Molecular consequence: missense variant.
Genome position (GRCh38, 1-based): chr2:202,520,133, G>A. VCF-style: chr2-202520133-G-A. GRCh37 (hg19) VCF-style: chr2-203384856-G-A.
Other names: short protein forms S300N.
Identifiers: ClinVar variation 3992213 (VCV003992213.1).

ClinVar aggregate classification (germline): Uncertain significance (1 of 4 stars; one submission).

Conditions:
Inborn genetic diseases. Identifiers: MedGen C0950123, MeSH D030342.

Submission:

Ambry Genetics
Classification: Uncertain significance for Inborn genetic diseases. Last evaluated: 2025-05-31. Review status: criteria provided, single submitter. Criteria: Ambry Variant Classification Scheme 2023. Collection method: clinical testing. Allele origin: germline.
Comment: The p.S300N variant (also known as c.899G>A), located in coding exon 7 of the BMPR2 gene, results from a G to A substitution at nucleotide position 899. The serine at codon 300 is replaced by asparagine, an amino acid with highly similar properties. This amino acid position is conserved. In addition, this alteration is predicted to be tolerated by in silico analysis. Based on the available evidence, the clinical significance of this variant remains unclear.